The following is an entry in ClinVar:

NM_001267550.2(TTN):c.25351+4A>G

Gene: TTN (titin; minus strand). Cytogenetic location: 2q31.2.
Variant type: single nucleotide variant.
Coding change: c.25351+4A>G on transcript NM_001267550.2 (MANE Select); 4 bases into the intron after coding-DNA position 25351, A replaced by G.
Molecular consequence: intron variant.
Genome position (GRCh38, 1-based): chr2:178,717,519, T>C on the plus strand (A>G on the coding strand, the complement: TTN is on the minus strand). VCF-style: chr2-178717519-T-C. GRCh37 (hg19) VCF-style: chr2-179582246-T-C.
Other names: c.13282+20563A>G (NM_003319.4); c.13858+20563A>G (NM_133437.4); c.13657+20563A>G (NM_133432.3); c.21619+4A>G (NM_133378.4); c.24400+4A>G (NM_001256850.1).
Identifiers: ClinVar variation 2100997 (VCV002100997.4), dbSNP rs2529212006, ClinGen allele CA2580065233.

ClinVar aggregate classification (germline): Uncertain significance (1 of 4 stars; one submission).

Conditions:
Dilated cardiomyopathy 1G (CMD1G). Identifiers: Orphanet 154, MedGen C1858763, MONDO:0011400, OMIM 604145.
Autosomal recessive limb-girdle muscular dystrophy type 2J (LGMDR10). Also called: Limb-girdle muscular dystrophy, type 2J; MUSCULAR DYSTROPHY, LIMB-GIRDLE, AUTOSOMAL RECESSIVE 10. Identifiers: Orphanet 140922, MedGen C1837342, MONDO:0012127, OMIM 608807.

Submission:

Labcorp Genetics (formerly Invitae), Labcorp
Classification: Uncertain significance for Dilated cardiomyopathy 1G; Autosomal recessive limb-girdle muscular dystrophy type 2J. Last evaluated: 2022-02-21. Review status: criteria provided, single submitter. Criteria: Invitae Variant Classification Sherloc (09022015). Collection method: clinical testing. Allele origin: germline.
Comment: This variant is located in the I band of TTN (PMID: 25589632). Variants in this region may be clinically relevant, but have not been definitively shown to cause cardiomyopathy or neuromuscular disease (PMID: 27493940, 32778822). In summary, the available evidence is currently insufficient to determine the role of this variant in disease. Therefore, it has been classified as a Variant of Uncertain Significance. Variants that disrupt the consensus splice site are a relatively common cause of aberrant splicing (PMID: 17576681, 9536098). Algorithms developed to predict the effect of sequence changes on RNA splicing suggest that this variant is not likely to affect RNA splicing. This variant has not been reported in the literature in individuals affected with TTN-related conditions. This variant is not present in population databases (gnomAD no frequency). This sequence change falls in intron 87 of the TTN gene. It does not directly change the encoded amino acid sequence of the TTN protein. It affects a nucleotide within the consensus splice site.

Literature cited by the submitters: PubMed 25589632; PubMed 27493940; PubMed 32778822; PubMed 17576681; PubMed 9536098.